The following is an entry in ClinVar:

ClinVar aggregate classification (germline): Uncertain significance (1 of 4 stars; one submission).

Conditions:
Left ventricular noncompaction 8 (LVNC8). Identifiers: Orphanet 154, Orphanet 54260, MedGen C3809288, MONDO:0014152, OMIM 615373.

Allele frequency attached by ClinVar (database versions not stated): gnomAD exomes 0.00001.
gnomAD v4.1: 10 of 1,613,848 alleles (0.00062%); highest among the groups gnomAD compares: Non-Finnish European, 0.00085%; no homozygotes.

Submission:

Clinical Genomics Laboratory, Stanford Medicine
Classification: Uncertain significance for Left ventricular noncompaction 8. Last evaluated: 2021-06-12. Review status: criteria provided, single submitter. Criteria: ACMG Guidelines, 2015. Collection method: clinical testing. Allele origin: germline. Affected: yes. Observed: 1 heterozygote.
Comment: The p.Met914Ile variant in the PRDM16 gene has not been previously reported in association with disease. This variant was absent from large population databases, including the Genome Aggregation Database. Computational tools predict that this variant does not impact protein function; however, the accuracy of in silico algorithms is limited. These data were assessed using the ACMG/AMP variant interpretation guidelines. In summary, the significance of the p.Met914Ile variant is uncertain. Additional information is needed to resolve the significance of this variant. [ACMG evidence codes used: PM2; BP4]

NM_022114.4(PRDM16):c.2742G>A (p.Met914Ile)

Gene: PRDM16 (PR/SET domain 16; plus strand). Cytogenetic location: 1p36.32.
Variant type: single nucleotide variant.
Coding change: c.2742G>A on transcript NM_022114.4 (MANE Select); coding-DNA position 2742, G replaced by A.
Protein change: p.Met914Ile; replaces methionine 914 with isoleucine.
Molecular consequence: missense variant.
Genome position (GRCh38, 1-based): chr1:3,417,878, G>A. VCF-style: chr1-3417878-G-A. GRCh37 (hg19) VCF-style: chr1-3334442-G-A.
Other names: p.Met914Ile; c.2742G>A, p.Met914Ile (NM_199454.3); short protein forms M914I.
Identifiers: ClinVar variation 3068524 (VCV003068524.1), dbSNP rs2523910670, ClinGen allele CA338001419.